The following is an entry in ClinVar:

ClinVar aggregate classification (germline): Uncertain significance. Review status: criteria provided, multiple submitters, no conflicts (2 of 4 stars). 2 submissions from 2 submitters: Uncertain significance (2). Last evaluated 2024-01-18.

Allele frequency attached by ClinVar (database versions not stated): gnomAD 0.00001; gnomAD exomes 0.00001; TOPMed 0.00002; ExAC 0.00003.
gnomAD v4.1: 21 of 1,613,970 alleles (0.0013%); highest among the groups gnomAD compares: Admixed American, 0.0033%; no homozygotes.

Submissions (2):

Revvity Omics, Revvity
Classification: Uncertain significance. Last evaluated: 2024-01-18. Review status: criteria provided, single submitter. Criteria: ACMG Guidelines, 2015. Collection method: clinical testing. Allele origin: germline.

Athena Diagnostics
Classification: Uncertain significance. Last evaluated: 2023-12-26. Review status: criteria provided, single submitter. Criteria: Athena Diagnostics Criteria. Collection method: clinical testing. Allele origin: unknown.
Comment: Available data are insufficient to determine the clinical significance of the variant at this time. The frequency of this variant in the general population is uninformative in assessment of its pathogenicity. Computational tools disagree on the variant's effect on normal protein function.

Literature cited by the submitters: PubMed 29420653 (cited by Athena Diagnostics).

NM_182961.4(SYNE1):c.25921C>T (p.Arg8641Trp)

Gene: SYNE1 (spectrin repeat containing nuclear envelope protein 1; minus strand). Cytogenetic location: 6q25.2.
Variant type: single nucleotide variant.
Coding change: c.25921C>T on transcript NM_182961.4 (MANE Select); coding-DNA position 25921, C replaced by T.
Protein change: p.Arg8641Trp; replaces arginine 8641 with tryptophan.
Molecular consequence: missense variant.
Genome position (GRCh38, 1-based): chr6:152,133,356, G>A on the plus strand (C>T on the coding strand, the complement: SYNE1 is on the minus strand). VCF-style: chr6-152133356-G-A. GRCh37 (hg19) VCF-style: chr6-152454491-G-A.
Other names: c.2527C>T, p.Arg843Trp (NM_001347701.2); c.2455C>T, p.Arg819Trp (NM_001347702.2); c.25777C>T, p.Arg8593Trp (NM_033071.5); c.25921C>T (NM_182961.2); short protein forms R819W, R843W, R8593W, R8641W.
Identifiers: ClinVar variation 2436587 (VCV002436587.4), dbSNP rs762289784, ClinGen allele CA4052714.